The following is an entry in ClinVar:

NM_015221.4(DNMBP):c.2261-4933dup

Gene: DNMBP (dynamin binding protein; minus strand). Cytogenetic location: 10q24.2.
Variant type: Duplication.
Coding change: c.2261-4933dup on transcript NM_015221.4 (MANE Select); 4933 bases into the intron before coding-DNA position 2261, one base duplicated (G; older notation c.2261-4933dupG).
Molecular consequence: intron variant.
Genome position (GRCh38, 1-based): chr10:99,914,079, C duplicated on the plus strand (G on the coding strand, the reverse complement: DNMBP is on the minus strand); the first of 5 consecutive C bases (chr10:99,914,079-99,914,083); duplicating any one gives the same sequence. VCF-style (leftmost placement, unchanged base first): chr10-99914078-T-TC. GRCh37 (hg19) VCF-style: chr10-101673835-T-TC.
Other names: c.2261-4933dup (NM_001441288.1, NM_001441287.1); c.1157-4933dup (NM_001318326.2).
Identifiers: ClinVar variation 3037742 (VCV003037742.3), dbSNP rs569274068, ClinGen allele CA5644978.

ClinVar aggregate classification (germline): Likely benign. Review status: criteria provided, single submitter (1 of 4 stars). 2 submissions from 2 submitters: Likely benign (1). 1 of the submissions does not count toward it. Last evaluated 2024-11-26.

Conditions:
DNMBP-related disorder. Also called: DNMBP-related condition.

Submissions (2):

Blueprint Genetics
Classification: Likely benign. Last evaluated: 2024-11-26. Review status: criteria provided, single submitter. Criteria: ACMG Guidelines, 2015. Collection method: clinical testing. Allele origin: germline.

PreventionGenetics, part of Exact Sciences
Classification: Likely benign for DNMBP-related condition. Last evaluated: 2020-01-02. Review status: no assertion criteria provided. Collection method: clinical testing. Allele origin: germline. Not counted in ClinVar's aggregate classification.
Comment: This variant is classified as likely benign based on ACMG/AMP sequence variant interpretation guidelines (Richards et al. 2015 PMID: 25741868, with internal and published modifications).